The following is an entry in ClinVar:

NM_000135.4(FANCA):c.184C>G (p.Leu62Val)

Gene: FANCA (FA complementation group A; minus strand). Cytogenetic location: 16q24.3.
Variant type: single nucleotide variant.
Coding change: c.184C>G on transcript NM_000135.4 (MANE Select); coding-DNA position 184, C replaced by G.
Protein change: p.Leu62Val; replaces leucine 62 with valine.
Molecular consequence: missense variant.
Genome position (GRCh38, 1-based): chr16:89,815,882, G>C on the plus strand (C>G on the coding strand, the complement: FANCA is on the minus strand). VCF-style: chr16-89815882-G-C. GRCh37 (hg19) VCF-style: chr16-89882290-G-C.
Other names: c.184C>G, p.Leu62Val (NM_001018112.3, NM_001286167.3, NM_001351830.2); short protein forms L62V.
Identifiers: ClinVar variation 1473316 (VCV001473316.8), dbSNP rs2041094921, ClinGen allele CA397483211.

ClinVar aggregate classification (germline): Uncertain significance (1 of 4 stars; one submission).

Conditions:
Fanconi anemia (FA). Also called: Fanconi's anemia. Identifiers: Orphanet 84, MedGen C0015625, MeSH D005199, MONDO:0019391.

Submission:

Labcorp Genetics (formerly Invitae), Labcorp
Classification: Uncertain significance for Fanconi anemia. Last evaluated: 2024-01-12. Review status: criteria provided, single submitter. Criteria: Invitae Variant Classification Sherloc (09022015). Collection method: clinical testing. Allele origin: germline.
Comment: This sequence change replaces leucine, which is neutral and non-polar, with valine, which is neutral and non-polar, at codon 62 of the FANCA protein (p.Leu62Val). This variant is not present in population databases (gnomAD no frequency). This variant has not been reported in the literature in individuals affected with FANCA-related conditions. ClinVar contains an entry for this variant (Variation ID: 1473316). Advanced modeling of protein sequence and biophysical properties (such as structural, functional, and spatial information, amino acid conservation, physicochemical variation, residue mobility, and thermodynamic stability) performed at Invitae indicates that this missense variant is not expected to disrupt FANCA protein function with a negative predictive value of 80%. In summary, the available evidence is currently insufficient to determine the role of this variant in disease. Therefore, it has been classified as a Variant of Uncertain Significance.